The following is an entry in ClinVar:

ClinVar aggregate classification (germline): Likely benign (0 of 4 stars; one submission).

Conditions:
CD151-related disorder. Also called: CD151-related condition.

gnomAD v4.1: 15 of 1,612,612 alleles (0.00093%); highest among the groups gnomAD compares: African/African-American, 0.0013%; no homozygotes.

Submission:

PreventionGenetics, part of Exact Sciences
Classification: Likely benign for CD151-related condition. Last evaluated: 2024-08-20. Review status: no assertion criteria provided. Collection method: clinical testing. Allele origin: germline.
Comment: This variant is classified as likely benign based on ACMG/AMP sequence variant interpretation guidelines (Richards et al. 2015 PMID: 25741868, with internal and published modifications).

NM_004357.5(CD151):c.336C>T (p.Tyr112=)

Gene: CD151 (CD151 molecule (Raph blood group); plus strand). Cytogenetic location: 11p15.5.
Variant type: single nucleotide variant.
Coding change: c.336C>T on transcript NM_004357.5 (MANE Select); coding-DNA position 336, C replaced by T.
Protein change: p.Tyr112=; no amino-acid change (tyrosine 112 retained).
Molecular consequence: synonymous variant.
Genome position (GRCh38, 1-based): chr11:836,828, C>T. VCF-style: chr11-836828-C-T. GRCh37 (hg19) VCF-style: chr11-836828-C-T.
Other names: c.336C>T, p.Tyr112= (NM_001039490.2, NM_139029.2, NM_139030.4).
Identifiers: ClinVar variation 3350505 (VCV003350505.1).